The following is an entry in ClinVar:

NM_024926.4(IFT56):c.310C>T (p.Leu104Phe)

Gene: IFT56 (intraflagellar transport 56; plus strand). Cytogenetic location: 7q34.
Variant type: single nucleotide variant.
Coding change: c.310C>T on transcript NM_024926.4 (MANE Select); coding-DNA position 310, C replaced by T.
Protein change: p.Leu104Phe; replaces leucine 104 with phenylalanine.
Molecular consequence: missense variant. On other transcripts: 5 prime UTR variant (2).
Genome position (GRCh38, 1-based): chr7:139,139,965, C>T. VCF-style: chr7-139139965-C-T. GRCh37 (hg19) VCF-style: chr7-138824711-C-T.
Other names: c.310C>T (NM_024926.3); c.310C>T, p.Leu104Phe (NM_001144920.3, NM_001287512.2, NM_001321740.2 and 2 more transcripts); c.217C>T, p.Leu73Phe (NM_001144923.3); c.-6C>T (NM_001287513.2); c.-272C>T (NM_001318333.2); short protein forms L104F, L73F.
Identifiers: ClinVar variation 3108417 (VCV003108417.4), dbSNP rs200364043, ClinGen allele CA4508111.

ClinVar aggregate classification (germline): Conflicting classifications of pathogenicity. Review status: criteria provided, conflicting classifications (1 of 4 stars). 3 submissions from 3 submitters: Uncertain significance (2); Likely benign (1). Last evaluated 2026-07-05.

Conditions:
IFT56-related disorder. Also called: IFT56-related condition.

Allele frequency attached by ClinVar (database versions not stated): ExAC 0.00012; gnomAD 0.00013; TOPMed 0.00013; gnomAD exomes 0.00016; ESP Exome Variant Server 0.00031.
gnomAD v4.1: 260 of 1,611,794 alleles (0.016%); highest among the groups gnomAD compares: Middle Eastern, 0.41%; no homozygotes.

Submissions (3):

PreventionGenetics, part of Exact Sciences
Classification: Uncertain significance for IFT56-related condition. Last evaluated: 2026-07-05. Review status: criteria provided, single submitter. Criteria: ACMG Guidelines, 2015. Collection method: clinical testing. Allele origin: germline.
Comment: The IFT56 c.310C>T variant is predicted to result in the amino acid substitution p.Leu104Phe. This variant has been reported in a cohort study of individuals with isolated congenital heart defects (Table S5, Reported via TTC26 as 7_139139965_139139965_C/T, Meerschaut et al. 2022. PubMed ID: 35885997). This variant is reported in 0.24% of alleles in individuals of Ashkenazi Jewish descent in gnomAD. At this time, the clinical significance of this variant is uncertain due to the absence of conclusive functional and genetic evidence.

Ambry Genetics
Classification: Uncertain significance. Last evaluated: 2025-08-28. Review status: criteria provided, single submitter. Criteria: Ambry Variant Classification Scheme 2023. Collection method: clinical testing. Allele origin: germline.

Labcorp Genetics (formerly Invitae), Labcorp
Classification: Likely benign. Last evaluated: 2025-03-18. Review status: criteria provided, single submitter. Criteria: Invitae Variant Classification Sherloc (09022015). Collection method: clinical testing. Allele origin: germline.